The following is an entry in ClinVar:

ClinVar aggregate classification (germline): Benign. Review status: criteria provided, multiple submitters, no conflicts (2 of 4 stars). 2 submissions from 2 submitters: Benign (2). Last evaluated 2018-06-14.

Allele frequency attached by ClinVar (database versions not stated): gnomAD exomes 0.06978; gnomAD 0.08785 and 0.08799; 1000 Genomes Project 30x 0.09072; 1000 Genomes Project 0.09185; TOPMed 0.09283.
gnomAD v4.1: 63,213 of 859,550 alleles (7.4%); highest among the groups gnomAD compares: Middle Eastern, 14%; 2,862 homozygotes.

Submissions (2):

GeneDx
Classification: Benign. Last evaluated: 2018-06-14. Review status: criteria provided, single submitter. Criteria: GeneDx Variant Classification (06012015). Collection method: clinical testing. Allele origin: germline. Affected: yes.
Comment: This variant is considered likely benign or benign based on one or more of the following criteria: it is a conservative change, it occurs at a poorly conserved position in the protein, it is predicted to be benign by multiple in silico algorithms, and/or has population frequency not consistent with disease.

Breakthrough Genomics
Classification: Benign. Review status: criteria provided, single submitter. Criteria: ACMG Guidelines, 2015. Collection method: not provided. Allele origin: germline. Inheritance: Autosomal recessive inheritance. Affected: yes.

NM_000722.4(CACNA2D1):c.729-98A>G

Gene: CACNA2D1 (calcium voltage-gated channel auxiliary subunit alpha2delta 1; minus strand). Cytogenetic location: 7q21.11.
Variant type: single nucleotide variant.
Coding change: c.729-98A>G on transcript NM_000722.4 (MANE Select); 98 bases into the intron before coding-DNA position 729, A replaced by G.
Molecular consequence: intron variant.
Genome position (GRCh38, 1-based): chr7:82,064,452, T>C on the plus strand (A>G on the coding strand, the complement: CACNA2D1 is on the minus strand). VCF-style: chr7-82064452-T-C. GRCh37 (hg19) VCF-style: chr7-81693768-T-C.
Other names: c.729-98A>G (NM_001366867.1, NM_001302890.2).
Identifiers: ClinVar variation 674634 (VCV000674634.2), dbSNP rs73703113, ClinGen allele CA161605901.